The following is an entry in ClinVar:

ClinVar aggregate classification (germline): Uncertain significance (1 of 4 stars; one submission).

Allele frequency attached by ClinVar (database versions not stated): gnomAD exomes below 0.00001; ExAC 0.00001; gnomAD 0.00001; 1000 Genomes Project 30x 0.00016; 1000 Genomes Project 0.00020.

Submission:

Labcorp Genetics (formerly Invitae), Labcorp
Classification: Uncertain significance. Last evaluated: 2022-09-13. Review status: criteria provided, single submitter. Criteria: Invitae Variant Classification Sherloc (09022015). Collection method: clinical testing. Allele origin: germline.
Comment: This sequence change replaces leucine, which is neutral and non-polar, with proline, which is neutral and non-polar, at codon 381 of the TFRC protein (p.Leu381Pro). The frequency data for this variant in the population databases is considered unreliable, as metrics indicate poor data quality at this position in the gnomAD database. This variant has not been reported in the literature in individuals affected with TFRC-related conditions. Advanced modeling of protein sequence and biophysical properties (such as structural, functional, and spatial information, amino acid conservation, physicochemical variation, residue mobility, and thermodynamic stability) performed at Invitae indicates that this missense variant is not expected to disrupt TFRC protein function. In summary, the available evidence is currently insufficient to determine the role of this variant in disease. Therefore, it has been classified as a Variant of Uncertain Significance.

NM_001128148.3(TFRC):c.1142T>C (p.Leu381Pro)

Gene: TFRC (transferrin receptor; minus strand). Cytogenetic location: 3q29.
Variant type: single nucleotide variant.
Coding change: c.1142T>C on transcript NM_001128148.3 (MANE Select); coding-DNA position 1142, T replaced by C.
Protein change: p.Leu381Pro; replaces leucine 381 with proline.
Molecular consequence: missense variant.
Genome position (GRCh38, 1-based): chr3:196,065,499, A>G on the plus strand (T>C on the coding strand, the complement: TFRC is on the minus strand). VCF-style: chr3-196065499-A-G. GRCh37 (hg19) VCF-style: chr3-195792370-A-G.
Other names: c.899T>C, p.Leu300Pro (NM_001313965.2); c.296T>C, p.Leu99Pro (NM_001313966.2); c.1142T>C, p.Leu381Pro (NM_003234.4); short protein forms L300P, L99P, L381P.
Identifiers: ClinVar variation 1942769 (VCV001942769.5), dbSNP rs572837317, ClinGen allele CA2778061.
Genomic context (GRCh38, chr3:196,065,499, plus strand): 5'-TTACCTGGTTCTACAAAGCCTTTAATAACTCCAAAGATGTTAAGAATTTTTATCTCTTTC[A>G]GCACATTGCTCACAGTGAGCTTCACATTCTTGCTTTCTGAGGTTACCATCCTACATGTAG-3'
Protein context (NP_001121620.1, residues 371-391): KNVKLTVSNV[Leu381Pro]KEIKILNIFG